The following is an entry in ClinVar:

ClinVar aggregate classification (germline): Pathogenic/Likely pathogenic. Review status: criteria provided, multiple submitters, no conflicts (2 of 4 stars). 5 submissions from 5 submitters: Pathogenic (2); Likely pathogenic (3). Last evaluated 2025-03-04.

Conditions:
Rubinstein-Taybi syndrome due to CREBBP mutations (RSTS1). Also called: CREBBP-Related Rubinstein-Taybi Syndrome; BROAD THUMB-HALLUX SYNDROME; Rubinstein-Taybi syndrome 1; BROAD THUMBS AND GREAT TOES, CHARACTERISTIC FACIES, AND IMPAIRED INTELLECTUAL DEVELOPMENT; RUBINSTEIN-TAYBI SYNDROME 1, INCOMPLETE; RUBINSTEIN SYNDROME. Identifiers: Orphanet 353277, Orphanet 783, MedGen C4551859, MONDO:0008393, OMIM 180849.
CREBBP-related disorder. Also called: CREBBP-related condition; CREBBP-related disorders.

Submissions (5):

Center for Genomic Medicine, Rigshospitalet, Copenhagen University Hospital
Classification: Pathogenic. Last evaluated: 2025-03-04. Review status: criteria provided, single submitter. Criteria: ACMG Guidelines, 2015. Collection method: clinical testing. Allele origin: germline.

GeneDx
Classification: Pathogenic. Last evaluated: 2024-08-26. Review status: criteria provided, single submitter. Criteria: GeneDx Variant Classification Process June 2021. Collection method: clinical testing. Allele origin: germline. Affected: yes.
Comment: Not observed at significant frequency in large population cohorts (gnomAD); In silico analysis supports that this missense variant has a deleterious effect on protein structure/function; This variant is associated with the following publications: (PMID: 29460469, 27311832, 35982159, 33057194, 38553851)

Daryl Scott Lab, Baylor College of Medicine
Classification: Likely pathogenic for Rubinstein-Taybi syndrome due to CREBBP mutations. Last evaluated: 2024-01-01. Review status: criteria provided, single submitter. Criteria: ACMG Guidelines, 2015. Collection method: clinical testing. Allele origin: de novo. Affected: yes. Observed: 1 heterozygote.
Comment: PS2, PS4, PM2, PP3

Blueprint Genetics
Classification: Likely pathogenic for CREBBP-related disorders. Last evaluated: 2022-09-07. Review status: criteria provided, single submitter. Criteria: ACMG Guidelines, 2015. Collection method: clinical testing. Allele origin: germline. Affected: yes. Observed: 1 variant allele.

Institute of Medical Genetics and Applied Genomics, University Hospital Tübingen
Classification: Likely pathogenic. Last evaluated: 2020-10-23. Review status: criteria provided, single submitter. Criteria: ACMG Guidelines, 2015. Collection method: clinical testing. Allele origin: germline. Inheritance: Unknown mechanism. Affected: yes.

Literature cited by the submitters: PubMed 27311832 (cited by Center for Genomic Medicine, Rigshospitalet, Copenhagen University Hospital); PubMed 30737887 (cited by Center for Genomic Medicine, Rigshospitalet, Copenhagen University Hospital); PubMed 34652060 (cited by Center for Genomic Medicine, Rigshospitalet, Copenhagen University Hospital); PubMed 29460469 (cited by Center for Genomic Medicine, Rigshospitalet, Copenhagen University Hospital).

NM_004380.3(CREBBP):c.5345C>T (p.Ala1782Val)

Gene: CREBBP (CREB binding lysine acetyltransferase; minus strand). Cytogenetic location: 16p13.3.
Variant type: single nucleotide variant.
Coding change: c.5345C>T on transcript NM_004380.3 (MANE Select); coding-DNA position 5345, C replaced by T.
Protein change: p.Ala1782Val; replaces alanine 1782 with valine.
Molecular consequence: missense variant.
Genome position (GRCh38, 1-based): chr16:3,729,702, G>A on the plus strand (C>T on the coding strand, the complement: CREBBP is on the minus strand). VCF-style: chr16-3729702-G-A. GRCh37 (hg19) VCF-style: chr16-3779703-G-A.
Other names: c.5231C>T, p.Ala1744Val (NM_001079846.1); c.5345C>T (NM_004380.2); short protein forms A1744V, A1782V.
Identifiers: ClinVar variation 987259 (VCV000987259.9), dbSNP rs2051858361, ClinGen allele CA394557089.
Genomic context (GRCh38, chr16:3,729,702, plus strand): 5'-ACCACCCGCTTCATCTTCTGGCAGGATGGCAGCGAGCAGTTGGCGTTGCGGCACTGGCAC[G>A]CGTGCACCAGCGACTGGATGCAGCGCTGGATGCTCAGCCGGCGTGACTCCTGGGGGCTCT-3'
Protein context (NP_004371.2, residues 1772-1792): IQRCIQSLVH[Ala1782Val]CQCRNANCSL